The following is an entry in ClinVar:

NM_015559.3(SETBP1):c.208G>T (p.Asp70Tyr)

Gene: SETBP1 (SET binding protein 1; plus strand). Cytogenetic location: 18q12.3.
Variant type: single nucleotide variant.
Coding change: c.208G>T on transcript NM_015559.3 (MANE Select); coding-DNA position 208, G replaced by T.
Protein change: p.Asp70Tyr; replaces aspartic acid 70 with tyrosine.
Molecular consequence: missense variant.
Genome position (GRCh38, 1-based): chr18:44,701,554, G>T. VCF-style: chr18-44701554-G-T. GRCh37 (hg19) VCF-style: chr18-42281519-G-T.
Other names: c.208G>T, p.Asp70Tyr (NM_001130110.2, NM_001379141.1, NM_001379142.1); c.208G>T (NM_015559.2); short protein forms D70Y.
Identifiers: ClinVar variation 1350836 (VCV001350836.9), dbSNP rs2069116787, ClinGen allele CA402481658.

ClinVar aggregate classification (germline): Uncertain significance. Review status: criteria provided, multiple submitters, no conflicts (2 of 4 stars). 2 submissions from 2 submitters: Uncertain significance (2). Last evaluated 2024-01-10.

Allele frequency attached by ClinVar (database versions not stated): TOPMed below 0.00001.

Submissions (2):

GeneDx
Classification: Uncertain significance. Last evaluated: 2024-01-10. Review status: criteria provided, single submitter. Criteria: GeneDx Variant Classification Process June 2021. Collection method: clinical testing. Allele origin: germline. Affected: yes.
Comment: Not observed in large population cohorts (gnomAD); In silico analysis supports that this missense variant has a deleterious effect on protein structure/function; Has not been previously published as pathogenic or benign to our knowledge

Labcorp Genetics (formerly Invitae), Labcorp
Classification: Uncertain significance. Last evaluated: 2020-12-25. Review status: criteria provided, single submitter. Criteria: Invitae Variant Classification Sherloc (09022015). Collection method: clinical testing. Allele origin: germline.
Comment: This sequence change replaces aspartic acid with tyrosine at codon 70 of the SETBP1 protein (p.Asp70Tyr). The aspartic acid residue is highly conserved and there is a large physicochemical difference between aspartic acid and tyrosine. This variant is not present in population databases (ExAC no frequency). This variant has not been reported in the literature in individuals with SETBP1-related conditions. Algorithms developed to predict the effect of missense changes on protein structure and function are either unavailable or do not agree on the potential impact of this missense change (SIFT: "Deleterious"; PolyPhen-2: "Probably Damaging"; Align-GVGD: "Class C15"). In summary, the available evidence is currently insufficient to determine the role of this variant in disease. Therefore, it has been classified as a Variant of Uncertain Significance.